The following is an entry in ClinVar:

NM_003002.4(SDHD):c.278A>G (p.Tyr93Cys)

Gene: SDHD (succinate dehydrogenase complex subunit D; plus strand). Cytogenetic location: 11q23.1.
Variant type: single nucleotide variant.
Coding change: c.278A>G on transcript NM_003002.4 (MANE Select); coding-DNA position 278, A replaced by G.
Protein change: p.Tyr93Cys; replaces tyrosine 93 with cysteine.
Molecular consequence: missense variant. On other transcripts: non-coding transcript variant (1), intron variant (1).
Genome position (GRCh38, 1-based): chr11:112,088,975, A>G. VCF-style: chr11-112088975-A-G. GRCh37 (hg19) VCF-style: chr11-111959699-A-G.
Other names: p.Tyr93Cys; c.161A>G, p.Tyr54Cys (NM_001276504.2); c.278A>G, p.Tyr93Cys (NM_001276506.2); c.169+1002A>G (NM_001276503.2); short protein forms Y93C, Y54C.
Identifiers: ClinVar variation 135197 (VCV000135197.38), dbSNP rs142135772, ClinGen allele CA016634.

ClinVar aggregate classification (germline): Conflicting classifications of pathogenicity. Review status: criteria provided, conflicting classifications (1 of 4 stars). 13 submissions from 13 submitters: Uncertain significance (10); Benign (2). 1 of the submissions does not count toward it. Last evaluated 2026-09-15.

Conditions:
SDHD-related disorder. Also called: SDHD-related condition.
Pheochromocytoma. Also called: MAX-Related Hereditary Paraganglioma-Pheochromocytoma Syndrome. Identifiers: Orphanet 29072, MedGen C0031511, MONDO:0008233, OMIM 171300, HP:0002666.
Carney-Stratakis syndrome. Also called: PARAGANGLIOMA AND GASTROINTESTINAL STROMAL TUMOR. Identifiers: Orphanet 97286, MedGen C1847319, MONDO:0011740, OMIM 606864.
Paragangliomas with sensorineural hearing loss. Identifiers: MedGen C1868633.
Cowden syndrome 3 (CWS3). Identifiers: Orphanet 201, MedGen CN166604, MONDO:0014045.
Mitochondrial complex 2 deficiency, nuclear type 3. Also called: MITOCHONDRIAL COMPLEX II DEFICIENCY, NUCLEAR TYPE 3. Identifiers: MedGen C5436934, MONDO:0030937, OMIM 619167.
Hereditary cancer-predisposing syndrome. Also called: Neoplastic Syndromes, Hereditary; Tumor predisposition; Hereditary Cancer Syndrome; Hereditary neoplastic syndrome. Identifiers: Orphanet 140162, MedGen C0027672, MeSH D009386, MONDO:0015356.
Hereditary pheochromocytoma and paraganglioma. Also called: Hereditary paragangliomas and pheochromocytomas; Hereditary pheochromocytoma-paraganglioma; Hereditary Paraganglioma-Pheochromocytoma Syndromes. Identifiers: Orphanet 29072, MedGen C4274332, MONDO:0017366.
Pheochromocytoma/paraganglioma syndrome 1. Also called: PARAGANGLIOMATA; Glomus tumors familial 1; SDHD-Related Hereditary Paraganglioma-Pheochromocytoma Syndrome; Paraganglioma - glomus jugulare; PARAGANGLIOMAS, FAMILIAL NONCHROMAFFIN, 1; PGL 1. Identifiers: Orphanet 29072, MedGen C3494181, MONDO:0008192, OMIM 168000.

Allele frequency attached by ClinVar (database versions not stated): gnomAD exomes 0.00003 and 0.00011; ExAC 0.00010; 1000 Genomes Project 30x 0.00016; 1000 Genomes Project 0.00020; gnomAD 0.00044 and 0.00049; TOPMed 0.00049; ESP Exome Variant Server 0.00054.
gnomAD v4.1: 120 of 1,614,134 alleles (0.0074%); highest among the groups gnomAD compares: African/African-American, 0.14%; no homozygotes.

Submissions (13):

PreventionGenetics, part of Exact Sciences
Classification: Uncertain significance for SDHD-related condition. Last evaluated: 2026-09-15. Review status: criteria provided, single submitter. Criteria: ACMG Guidelines, 2015. Collection method: clinical testing. Allele origin: germline.
Comment: The SDHD c.278A>G variant is predicted to result in the amino acid substitution p.Tyr93Cys. This variant has been reported in a cohort of individuals affected with Cowden or Cowden-like syndrome (Mahdi et al 2015. PubMed ID: 25376524) and a cohort of individuals affected with pheochromocytomas and paragangliomas (Supp. Table 2 in Garrett A et al 2021. PubMed ID: 34906457). It is reported in 0.12% of alleles in individuals of African descent in gnomAD and has conflicting interpretations in ClinVar ranging from benign to uncertain (Variation ID: 135197). Although we suspect that this variant may be benign, at this time, the clinical significance of this variant is uncertain due to the absence of conclusive functional and genetic evidence.

ARUP Laboratories, Molecular Genetics and Genomics, ARUP Laboratories
Classification: Uncertain significance. Last evaluated: 2025-07-22. Review status: criteria provided, single submitter. Criteria: ARUP Molecular Germline Variant Investigation Process 2024. Collection method: clinical testing. Allele origin: germline.
Comment: The SDHD c.278A>G; p.Tyr93Cys variant (rs142135772, ClinVar Variation ID: 135197) is reported in the literature in two individuals with phaeochromocytoma/paraganglioma and two individuals with Cowden or Cowden-like syndrome (Garrett 2022, Mahdi 2015). This variant is found in the general population with an allele frequency of 0.013% (37/282878 alleles) in the Genome Aggregation Database (v2.1.1). Computational analyses predict that this variant is deleterious (REVEL: 0.876). Due to limited information, the clinical significance of this variant is uncertain at this time. References: Garrett A et al. Quantifying evidence toward pathogenicity for rare phenotypes: The case of succinate dehydrogenase genes, SDHB and SDHD. Genet Med. 2022 Jan;24(1):41-50. PMID: 34906457. Mahdi H et al. Germline PTEN, SDHB-D, and KLLN alterations in endometrial cancer patients with Cowden and Cowden-like syndromes: an international, multicenter, prospective study. Cancer. 2015 Mar 1;121(5):688-96. PMID: 25376524.

Ambry Genetics
Classification: Uncertain significance for Hereditary cancer-predisposing syndrome. Last evaluated: 2025-05-08. Review status: criteria provided, single submitter. Criteria: Ambry Variant Classification Scheme 2023. Collection method: clinical testing. Allele origin: germline.
Comment: The p.Y93C variant (also known as c.278A>G), located in coding exon 3 of the SDHD gene, results from an A to G substitution at nucleotide position 278. The tyrosine at codon 93 is replaced by cysteine, an amino acid with highly dissimilar properties. This alteration has been observed in at least one individual with a personal history of pheochromocytoma (Ambry internal data). This alteration was detected in two individuals diagnosed with breast and endometrial cancer out of 371 patients with Cowden or Cowden-like syndrome (Mahdi H et al. Cancer, 2015 Mar;121:688-96). This alteration has also been observed in a neuroblastoma cell line and was not found in 135 controls; it is located in one of the transmembrane helices of the SDHD protein (De Preter K et al. BMC Cancer, 2004 Aug;4:55). This amino acid position is highly conserved in available vertebrate species. In addition, this alteration is predicted to be deleterious by in silico analysis. Based on the available evidence, the clinical significance of this variant remains unclear.

Labcorp Genetics (formerly Invitae), Labcorp
Classification: Uncertain significance for Carney-Stratakis syndrome; Paragangliomas with sensorineural hearing loss; Pheochromocytoma; Cowden syndrome 3. Last evaluated: 2025-02-02. Review status: criteria provided, single submitter. Criteria: Invitae Variant Classification Sherloc (09022015). Collection method: clinical testing. Allele origin: germline.
Comment: This sequence change replaces tyrosine, which is neutral and polar, with cysteine, which is neutral and slightly polar, at codon 93 of the SDHD protein (p.Tyr93Cys). This variant is present in population databases (rs142135772, gnomAD 0.1%). This missense change has been observed in individual(s) with SDHD-related conditions (PMID: 25376524, 34906457). ClinVar contains an entry for this variant (Variation ID: 135197). Invitae Evidence Modeling of protein sequence and biophysical properties (such as structural, functional, and spatial information, amino acid conservation, physicochemical variation, residue mobility, and thermodynamic stability) has been performed for this missense variant. However, the output from this modeling did not meet the statistical confidence thresholds required to predict the impact of this variant on SDHD protein function. Experimental studies have shown that this missense change does not substantially affect SDHD function (PMID: 15331017). In summary, the available evidence is currently insufficient to determine the role of this variant in disease. Therefore, it has been classified as a Variant of Uncertain Significance.

GeneDx
Classification: Uncertain significance. Last evaluated: 2024-12-16. Review status: criteria provided, single submitter. Criteria: GeneDx Variant Classification Process June 2021. Collection method: clinical testing. Allele origin: germline. Affected: yes.
Comment: In silico analysis supports that this missense variant has a deleterious effect on protein structure/function; This variant is associated with the following publications: (PMID: 22904323, 24728327, 15331017, 28873162, 25376524, 34906457)

Baylor Genetics
Classification: Uncertain significance for Mitochondrial complex 2 deficiency, nuclear type 3. Last evaluated: 2024-03-29. Review status: criteria provided, single submitter. Criteria: ACMG Guidelines, 2015. Collection method: clinical testing. Allele origin: unknown.

St. Jude Molecular Pathology, St. Jude Children's Research Hospital
Classification: Uncertain significance for Pheochromocytoma/paraganglioma syndrome 1. Last evaluated: 2023-12-31. Review status: criteria provided, single submitter. Criteria: St. Jude Assertion Criteria 2020. Collection method: clinical testing. Allele origin: germline.

Mayo Clinic Laboratories, Mayo Clinic
Classification: Uncertain significance. Last evaluated: 2023-08-29. Review status: criteria provided, single submitter. Criteria: ACMG Guidelines, 2015. Collection method: clinical testing. Allele origin: germline. Observed: 3 variant alleles.
Comment: BS1, PP3

Quest Diagnostics Nichols Institute San Juan Capistrano
Classification: Benign. Last evaluated: 2023-06-28. Review status: criteria provided, single submitter. Criteria: Quest Diagnostics criteria. Collection method: clinical testing. Allele origin: unknown.

Color Diagnostics, LLC DBA Color Health
Classification: Benign for Hereditary pheochromocytoma and paraganglioma. Last evaluated: 2023-03-20. Review status: criteria provided, single submitter. Criteria: ACMG Guidelines, 2015. Collection method: clinical testing. Allele origin: germline.

Revvity Omics, Revvity
Classification: Uncertain significance. Last evaluated: 2021-09-08. Review status: criteria provided, single submitter. Criteria: ACMG Guidelines, 2015. Collection method: clinical testing. Allele origin: germline.

Genetic Services Laboratory, University of Chicago
Classification: Uncertain significance. Last evaluated: 2019-07-01. Review status: criteria provided, single submitter. Criteria: ACMG Guidelines, 2015. Collection method: clinical testing. Allele origin: germline. Affected: no.

ITMI
No classification provided. Condition: AllHighlyPenetrant. Last evaluated: 2013-09-19. Review status: no classification provided. Collection method: reference population. Allele origin: germline. Not counted in ClinVar's aggregate classification.
Comment: Please see associated publication for description of ethnicities

Literature cited by the submitters: PubMed 15331017 (cited by 4 submitters); PubMed 24728327 (cited by 3 submitters); PubMed 25376524 (cited by 4 submitters); PubMed 34906457 (cited by 3 submitters).